The following is an entry in ClinVar:

ClinVar aggregate classification (germline): Uncertain significance. Review status: criteria provided, multiple submitters, no conflicts (2 of 4 stars). 6 submissions from 6 submitters: Uncertain significance (6). Last evaluated 2025-07-11.

Conditions:
Hereditary cancer-predisposing syndrome. Also called: Hereditary Cancer Syndrome; Hereditary neoplastic syndrome; Tumor predisposition; Neoplastic Syndromes, Hereditary. Identifiers: Orphanet 140162, MedGen C0027672, MeSH D009386, MONDO:0015356.
Multiple endocrine neoplasia, type 1 (MEN1). Also called: MEN I; WERMER SYNDROME; Endocrine adenomatosis multiple; MEN 1; MEA I. Identifiers: Orphanet 652, MedGen C0025267, MeSH D018761, MONDO:0007540, OMIM 131100.

gnomAD v4.1: 2 of 1,614,204 alleles (0.00012%); highest among the groups gnomAD compares: Non-Finnish European, 0.00017%; no homozygotes.

Submissions (6):

Color Diagnostics, LLC DBA Color Health
Classification: Uncertain significance for Multiple endocrine neoplasia, type 1. Last evaluated: 2025-07-11. Review status: criteria provided, single submitter. Criteria: ACMG Guidelines, 2015. Collection method: clinical testing. Allele origin: germline.
Comment: This missense variant replaces arginine with tryptophan at codon 335 of the MEN1 protein. Computational prediction suggests that this variant may have deleterious impact on protein structure and function. To our knowledge, functional studies have not been reported for this variant. This variant has not been reported in individuals affected with MEN1-related disorders in the literature. This variant has not been identified in the general population by the Genome Aggregation Database (gnomAD). The available evidence is insufficient to determine the role of this variant in disease conclusively. Therefore, this variant is classified as a Variant of Uncertain Significance.

Labcorp Genetics (formerly Invitae), Labcorp
Classification: Uncertain significance for Multiple endocrine neoplasia, type 1. Last evaluated: 2024-05-27. Review status: criteria provided, single submitter. Criteria: Invitae Variant Classification Sherloc (09022015). Collection method: clinical testing. Allele origin: germline.
Comment: This sequence change replaces arginine, which is basic and polar, with tryptophan, which is neutral and slightly polar, at codon 335 of the MEN1 protein (p.Arg335Trp). This variant is not present in population databases (gnomAD no frequency). This variant has not been reported in the literature in individuals affected with MEN1-related conditions. ClinVar contains an entry for this variant (Variation ID: 457274). Advanced modeling of protein sequence and biophysical properties (such as structural, functional, and spatial information, amino acid conservation, physicochemical variation, residue mobility, and thermodynamic stability) performed at Invitae indicates that this missense variant is expected to disrupt MEN1 protein function with a positive predictive value of 95%. In summary, the available evidence is currently insufficient to determine the role of this variant in disease. Therefore, it has been classified as a Variant of Uncertain Significance.

Baylor Genetics
Classification: Uncertain significance for Multiple Endocrine Neoplasia Type 1. Last evaluated: 2023-07-23. Review status: criteria provided, single submitter. Criteria: ACMG Guidelines, 2015. Collection method: clinical testing. Allele origin: unknown.

All of Us Research Program, National Institutes of Health
Classification: Uncertain significance for Multiple endocrine neoplasia, type 1. Last evaluated: 2023-05-16. Review status: criteria provided, single submitter. Criteria: ACMG Guidelines, 2015. Collection method: clinical testing. Allele origin: germline. Inheritance: Autosomal dominant inheritance. Observed: 1 variant allele, 1 heterozygote.
Comment: This missense variant replaces arginine with tryptophan at codon 335 of the MEN1 protein. Computational prediction suggests that this variant may have deleterious impact on protein structure and function (internally defined REVEL score threshold >= 0.7, PMID: 27666373). To our knowledge, functional studies have not been reported for this variant. This variant has not been reported in individuals affected with MEN1-related disorders in the literature. This variant has not been identified in the general population by the Genome Aggregation Database (gnomAD). The available evidence is insufficient to determine the role of this variant in disease conclusively. Therefore, this variant is classified as a Variant of Uncertain Significance.

This study involves interpretation of variants in research participants for the purpose of population health screening. Participant phenotype was not available at the time of variant classification. Additional details can be found in publication PMID: 35346344, PMCID: PMC8962531

Institute of Human Genetics, University of Leipzig Medical Center
Classification: Uncertain significance for Multiple endocrine neoplasia, type 1. Last evaluated: 2023-03-23. Review status: criteria provided, single submitter. Criteria: ACMG Guidelines, 2015. Collection method: clinical testing. Allele origin: unknown. Affected: yes.
Comment: _x000D_ Criteria applied: PM2_SUP, PP3

Ambry Genetics
Classification: Uncertain significance for Hereditary cancer-predisposing syndrome. Last evaluated: 2022-05-10. Review status: criteria provided, single submitter. Criteria: Ambry Variant Classification Scheme 2023. Collection method: clinical testing. Allele origin: germline.
Comment: The p.R335W variant (also known as c.1003C>T), located in coding exon 6 of the MEN1 gene, results from a C to T substitution at nucleotide position 1003. The arginine at codon 335 is replaced by tryptophan, an amino acid with dissimilar properties. This amino acid position is highly conserved in available vertebrate species. In addition, this alteration is predicted to be deleterious by in silico analysis. Since supporting evidence is limited at this time, the clinical significance of this alteration remains unclear.

NM_001370259.2(MEN1):c.1003C>T (p.Arg335Trp)

Gene: MEN1 (menin 1; minus strand). Cytogenetic location: 11q13.1.
Variant type: single nucleotide variant.
Coding change: c.1003C>T on transcript NM_001370259.2 (MANE Select); coding-DNA position 1003, C replaced by T.
Protein change: p.Arg335Trp; replaces arginine 335 with tryptophan.
Molecular consequence: missense variant.
Genome position (GRCh38, 1-based): chr11:64,806,278, G>A on the plus strand (C>T on the coding strand, the complement: MEN1 is on the minus strand). VCF-style: chr11-64806278-G-A. GRCh37 (hg19) VCF-style: chr11-64573750-G-A.
Other names: c.1003C>T, p.Arg335Trp (NM_130799.3, NM_001370251.2, NM_001370260.2 and 1 more transcripts); c.1018C>T, p.Arg340Trp (NM_130800.3, NM_130801.3, NM_130802.3 and 3 more transcripts); c.898C>T, p.Arg300Trp (NM_001370262.2, NM_001370263.2); short protein forms R335W, R340W, R300W.
Identifiers: ClinVar variation 457274 (VCV000457274.18), dbSNP rs371364206, ClinGen allele CA381183266.
Genomic context (GRCh38, chr11:64,806,278, plus strand): 5'-AGGGGGATCCTCACTCCTGGATGACAGTGGCCGTGTCCGCCCAGGCCTGCAGGGCTTCCC[G>A]CACATTGCGGTTGCGACAGTGGTAGCCAGCCAGGTACATGTAGGGGTAGATGTGTTCATC-3'
Protein context (NP_001357188.2, residues 325-345): AGYHCRNRNV[Arg335Trp]EALQAWADTA